The following is an entry in ClinVar:

ClinVar aggregate classification (germline): Uncertain significance (1 of 4 stars; one submission).

gnomAD v4.1: 1 of 1,614,072 alleles (0.000062%); highest among the groups gnomAD compares: Non-Finnish European, 0.000085%; no homozygotes.

Submission:

Ambry Genetics
Classification: Uncertain significance. Last evaluated: 2025-08-02. Review status: criteria provided, single submitter. Criteria: Ambry Variant Classification Scheme 2023. Collection method: clinical testing. Allele origin: germline.
Comment: The p.K900E variant (also known as c.2698A>G), located in coding exon 1 of the TET2 gene, results from an A to G substitution at nucleotide position 2698. The lysine at codon 900 is replaced by glutamic acid, an amino acid with similar properties. This amino acid position is conserved. In addition, this alteration is predicted to be tolerated by in silico analysis. Based on the available evidence, the clinical significance of this variant remains unclear.

NM_001127208.3(TET2):c.2698A>G (p.Lys900Glu)

Genes: TET2 (tet methylcytosine dioxygenase 2; plus strand), TET2-AS1 (TET2 antisense RNA 1; minus strand). Cytogenetic location: 4q24.
Variant type: single nucleotide variant.
Coding change: c.2698A>G on transcript NM_001127208.3 (MANE Select); coding-DNA position 2698, A replaced by G.
Protein change: p.Lys900Glu; replaces lysine 900 with glutamic acid.
Molecular consequence: missense variant.
Genome position (GRCh38, 1-based): chr4:105,236,640, A>G. VCF-style: chr4-105236640-A-G. GRCh37 (hg19) VCF-style: chr4-106157797-A-G.
Other names: c.2698A>G, p.Lys900Glu (NM_017628.4); short protein forms K900E.
Identifiers: ClinVar variation 4183002 (VCV004183002.1).